The following is an entry in ClinVar:

NM_001018113.3(FANCB):c.53A>T (p.Tyr18Phe)

Gene: FANCB (FA complementation group B; minus strand). Cytogenetic location: Xp22.2.
Variant type: single nucleotide variant.
Coding change: c.53A>T on transcript NM_001018113.3 (MANE Select); coding-DNA position 53, A replaced by T.
Protein change: p.Tyr18Phe; replaces tyrosine 18 with phenylalanine.
Molecular consequence: missense variant. On other transcripts: non-coding transcript variant (1).
Genome position (GRCh38, 1-based): chrX:14,865,458, T>A on the plus strand (A>T on the coding strand, the complement: FANCB is on the minus strand). VCF-style: chrX-14865458-T-A. GRCh37 (hg19) VCF-style: chrX-14883580-T-A.
Other names: c.53A>T, p.Tyr18Phe (NM_001324162.2, NM_001410764.1, NM_152633.4); short protein forms Y18F.
Identifiers: ClinVar variation 2199596 (VCV002199596.4), dbSNP rs1308048807, ClinGen allele CA412445394.

ClinVar aggregate classification (germline): Uncertain significance (1 of 4 stars; one submission).

Conditions:
Fanconi anemia (FA). Also called: Fanconi's anemia. Identifiers: Orphanet 84, MedGen C0015625, MeSH D005199, MONDO:0019391.

Allele frequency attached by ClinVar (database versions not stated): gnomAD exomes 0.00001; TOPMed 0.00001.
gnomAD v4.1: 12 of 1,210,067 alleles (0.00099%); highest among the groups gnomAD compares: East Asian, 0.003%; no homozygotes.

Submission:

Labcorp Genetics (formerly Invitae), Labcorp
Classification: Uncertain significance for Fanconi anemia. Last evaluated: 2025-06-03. Review status: criteria provided, single submitter. Criteria: Invitae Variant Classification Sherloc (09022015). Collection method: clinical testing. Allele origin: germline.
Comment: This sequence change replaces tyrosine, which is neutral and polar, with phenylalanine, which is neutral and non-polar, at codon 18 of the FANCB protein (p.Tyr18Phe). This variant is present in population databases (no rsID available, gnomAD 0.003%), including at least one homozygous and/or hemizygous individual. This variant has not been reported in the literature in individuals affected with FANCB-related conditions. ClinVar contains an entry for this variant (Variation ID: 2199596). Invitae Evidence Modeling of protein sequence and biophysical properties (such as structural, functional, and spatial information, amino acid conservation, physicochemical variation, residue mobility, and thermodynamic stability) indicates that this missense variant is not expected to disrupt FANCB protein function with a negative predictive value of 80%. In summary, the available evidence is currently insufficient to determine the role of this variant in disease. Therefore, it has been classified as a Variant of Uncertain Significance.